The following is an entry in ClinVar:

NM_020987.5(ANK3):c.10543T>A (p.Phe3515Ile)

Gene: ANK3 (ankyrin 3; minus strand). Cytogenetic location: 10q21.2.
Variant type: single nucleotide variant.
Coding change: c.10543T>A on transcript NM_020987.5 (MANE Select); coding-DNA position 10543, T replaced by A.
Protein change: p.Phe3515Ile; replaces phenylalanine 3515 with isoleucine.
Molecular consequence: missense variant. On other transcripts: intron variant (4).
Genome position (GRCh38, 1-based): chr10:60,070,338, A>T on the plus strand (T>A on the coding strand, the complement: ANK3 is on the minus strand). VCF-style: chr10-60070338-A-T. GRCh37 (hg19) VCF-style: chr10-61830096-A-T.
Other names: c.4388-2329T>A (NM_001204403.2); c.4409-2329T>A (NM_001204404.2); c.4406-2329T>A (NM_001320874.2); c.1808-2329T>A (NM_001149.4); short protein forms F3515I.
Identifiers: ClinVar variation 4743915 (VCV004743915.1).

ClinVar aggregate classification (germline): Uncertain significance (1 of 4 stars; one submission).

gnomAD v4.1: 1 of 1,614,048 alleles (0.000062%); highest among the groups gnomAD compares: Non-Finnish European, 0.000085%; no homozygotes.

Submission:

Labcorp Genetics (formerly Invitae), Labcorp
Classification: Uncertain significance. Last evaluated: 2025-07-06. Review status: criteria provided, single submitter. Criteria: Invitae Variant Classification Sherloc (09022015). Collection method: clinical testing. Allele origin: germline.
Comment: This sequence change replaces phenylalanine, which is neutral and non-polar, with isoleucine, which is neutral and non-polar, at codon 3515 of the ANK3 protein (p.Phe3515Ile). This variant is not present in population databases (gnomAD no frequency). This variant has not been reported in the literature in individuals affected with ANK3-related conditions. Invitae Evidence Modeling of protein sequence and biophysical properties (such as structural, functional, and spatial information, amino acid conservation, physicochemical variation, residue mobility, and thermodynamic stability) indicates that this missense variant is expected to disrupt ANK3 protein function with a positive predictive value of 80%. In summary, the available evidence is currently insufficient to determine the role of this variant in disease. Therefore, it has been classified as a Variant of Uncertain Significance.